The following is an entry in ClinVar:

ClinVar aggregate classification (germline): Pathogenic (0 of 4 stars; one submission).

Conditions:
Corpus callosum, agenesis of. Also called: Isolated corpus callosum agenesis; Agenesis of the corpus callosum; Corpus callosum agenesis; Mental retardation hypoplastic corpus callosum preauricular tag; Da silva syndrome. Identifiers: Orphanet 200, MedGen C0175754, MONDO:0009022, OMIM 217990, HP:0001274.

Submission:

Neurogenetics Research; Murdoch Childrens Research Institute
Classification: Pathogenic for Corpus callosum, agenesis of. Last evaluated: 2016-01-01. Review status: no assertion criteria provided. Collection method: research. Allele origin: germline. Affected: yes.
Comment: Mutations in DCC can cause either agenesis of the corpus callosum, mirror movements or both phenotypes

NM_005215.4(DCC):c.2677G>A (p.Ala893Thr)

Gene: DCC (DCC netrin 1 receptor; plus strand). Cytogenetic location: 18q21.2.
Variant type: single nucleotide variant.
Coding change: c.2677G>A on transcript NM_005215.4 (MANE Select); coding-DNA position 2677, G replaced by A.
Protein change: p.Ala893Thr; replaces alanine 893 with threonine.
Molecular consequence: missense variant.
Genome position (GRCh38, 1-based): chr18:53,391,876, G>A. VCF-style: chr18-53391876-G-A. GRCh37 (hg19) VCF-style: chr18-50918246-G-A.
Other names: short protein forms A893T.
Identifiers: ClinVar variation 375287 (VCV000375287.1), dbSNP rs1057519057, ClinGen allele CA16044036.